The following is an entry in ClinVar:

NM_000268.4(NF2):c.885G>A (p.Leu295=)

Gene: NF2 (NF2, moesin-ezrin-radixin like (MERLIN) tumor suppressor; plus strand). Cytogenetic location: 22q12.2.
Variant type: single nucleotide variant.
Coding change: c.885G>A on transcript NM_000268.4 (MANE Select); coding-DNA position 885, G replaced by A.
Protein change: p.Leu295=; no amino-acid change (leucine 295 retained).
Molecular consequence: synonymous variant. On other transcripts: non-coding transcript variant (1), intron variant (1).
Genome position (GRCh38, 1-based): chr22:29,665,064, G>A. VCF-style: chr22-29665064-G-A. GRCh37 (hg19) VCF-style: chr22-30061053-G-A.
Other names: c.771G>A, p.Leu257= (NM_001407053.1, NM_001407056.1); c.762G>A, p.Leu254= (NM_001407054.1, NM_001407058.1, NM_181829.3); c.759G>A, p.Leu253= (NM_001407055.1, NM_181828.3); c.750G>A, p.Leu250= (NM_001407057.1, NM_001407059.1); c.885G>A, p.Leu295= (NM_001407060.1, NM_001407066.1, NM_016418.5 and 2 more transcripts); c.627G>A, p.Leu209= (NM_001407062.1); c.636G>A, p.Leu212= (NM_001407063.1, NM_001407064.1, NM_181830.3 and 1 more transcripts); c.351G>A, p.Leu117= (NM_001407065.1); and 2 more.
Identifiers: ClinVar variation 3689466 (VCV003689466.3).

ClinVar aggregate classification (germline): Uncertain significance. Review status: criteria provided, multiple submitters, no conflicts (2 of 4 stars). 2 submissions from 2 submitters: Uncertain significance (2). Last evaluated 2026-02-12.

Conditions:
Neurofibromatosis, type 2 (SWNV). Also called: BILATERAL ACOUSTIC NEUROFIBROMATOSIS; NF2-Related Schwannomatosis; SCHWANNOMATOSIS, VESTIBULAR. Identifiers: Orphanet 637, MedGen C0027832, MONDO:0007039, OMIM 101000. Disease mechanism: loss of function.

Submissions (2):

GeneDx
Classification: Uncertain significance. Last evaluated: 2026-02-12. Review status: criteria provided, single submitter. Criteria: GeneDx Variant Classification Process June 2021. Collection method: clinical testing. Allele origin: germline.
Comment: Not observed at significant frequency in large population cohorts (gnomAD); Has not been previously published as pathogenic or benign to our knowledge; In silico analysis is inconclusive as to whether the variant alters gene splicing. In the absence of RNA/functional studies, the actual effect of this sequence change is unknown.

Labcorp Genetics (formerly Invitae), Labcorp
Classification: Uncertain significance for Neurofibromatosis, type 2. Last evaluated: 2024-02-02. Review status: criteria provided, single submitter. Criteria: Invitae Variant Classification Sherloc (09022015). Collection method: clinical testing. Allele origin: germline.
Comment: This sequence change affects codon 295 of the NF2 mRNA. It is a 'silent' change, meaning that it does not change the encoded amino acid sequence of the NF2 protein. This variant also falls at the last nucleotide of exon 9, which is part of the consensus splice site for this exon. This variant is not present in population databases (gnomAD no frequency). This variant has not been reported in the literature in individuals affected with NF2-related conditions. Variants that disrupt the consensus splice site are a relatively common cause of aberrant splicing (PMID: 17576681, 9536098). Algorithms developed to predict the effect of sequence changes on RNA splicing suggest that this variant is not likely to affect RNA splicing. In summary, the available evidence is currently insufficient to determine the role of this variant in disease. Therefore, it has been classified as a Variant of Uncertain Significance.

Literature cited by the submitters: PubMed 17576681 (cited by Labcorp Genetics (formerly Invitae), Labcorp); PubMed 9536098 (cited by Labcorp Genetics (formerly Invitae), Labcorp).